The following is an entry in ClinVar:

ClinVar aggregate classification (germline): Uncertain significance (1 of 4 stars; one submission).

Allele frequency attached by ClinVar (database versions not stated): gnomAD exomes 0.00002 and 0.00003; ExAC 0.00003; TOPMed 0.00003; gnomAD 0.00004; ESP Exome Variant Server 0.00008.

Submission:

Labcorp Genetics (formerly Invitae), Labcorp
Classification: Uncertain significance. Last evaluated: 2024-11-04. Review status: criteria provided, single submitter. Criteria: Invitae Variant Classification Sherloc (09022015). Collection method: clinical testing. Allele origin: germline.
Comment: This sequence change replaces valine, which is neutral and non-polar, with methionine, which is neutral and non-polar, at codon 617 of the RGS9 protein (p.Val617Met). This variant is present in population databases (rs370867384, gnomAD 0.004%). This variant has not been reported in the literature in individuals affected with RGS9-related conditions. ClinVar contains an entry for this variant (Variation ID: 1503270). An algorithm developed to predict the effect of missense changes on protein structure and function outputs the following: PolyPhen-2: "Benign". The methionine amino acid residue is found in multiple mammalian species, which suggests that this missense change does not adversely affect protein function. In summary, the available evidence is currently insufficient to determine the role of this variant in disease. Therefore, it has been classified as a Variant of Uncertain Significance.

NM_003835.4(RGS9):c.1849G>A (p.Val617Met)

Gene: RGS9 (regulator of G protein signaling 9; plus strand). Cytogenetic location: 17q24.1.
Variant type: single nucleotide variant.
Coding change: c.1849G>A on transcript NM_003835.4 (MANE Select); coding-DNA position 1849, G replaced by A.
Protein change: p.Val617Met; replaces valine 617 with methionine.
Molecular consequence: missense variant.
Genome position (GRCh38, 1-based): chr17:65,225,443, G>A. VCF-style: chr17-65225443-G-A. GRCh37 (hg19) VCF-style: chr17-63221561-G-A.
Other names: c.1840G>A, p.Val614Met (NM_001081955.3); short protein forms V614M, V617M.
Identifiers: ClinVar variation 1503270 (VCV001503270.6), dbSNP rs370867384, ClinGen allele CA8718158.